The following is an entry in ClinVar:

ClinVar aggregate classification (germline): Uncertain significance (1 of 4 stars; one submission).

Conditions:
Multiple acyl-CoA dehydrogenase deficiency (MADD). Also called: Glutaric aciduria, type 2; Glutaric acidemia type II; GA 2; Glutaric Acidemia type 2; ETHYLMALONIC-ADIPICACIDURIA; GA II. Identifiers: Orphanet 26791, MedGen C0268596, MONDO:0009282, OMIM 231680.

Allele frequency attached by ClinVar (database versions not stated): gnomAD 0.00001; gnomAD exomes 0.00001; ExAC 0.00003; 1000 Genomes Project 30x 0.00016; 1000 Genomes Project 0.00020.
gnomAD v4.1: 16 of 1,573,766 alleles (0.001%); highest among the groups gnomAD compares: Non-Finnish European, 0.0013%; no homozygotes.

Submission:

Labcorp Genetics (formerly Invitae), Labcorp
Classification: Uncertain significance for Multiple acyl-CoA dehydrogenase deficiency. Last evaluated: 2022-05-17. Review status: criteria provided, single submitter. Criteria: Invitae Variant Classification Sherloc (09022015). Collection method: clinical testing. Allele origin: germline.
Comment: This sequence change disrupts the translational stop signal of the ETFA mRNA. It is expected to extend the length of the ETFA protein by 6 additional amino acid residues. This variant is present in population databases (rs201424632, gnomAD 0.003%). This variant has not been reported in the literature in individuals affected with ETFA-related conditions. Experimental studies and prediction algorithms are not available or were not evaluated, and the functional significance of this variant is currently unknown. In summary, the available evidence is currently insufficient to determine the role of this variant in disease. Therefore, it has been classified as a Variant of Uncertain Significance.

NM_000126.4(ETFA):c.1001G>T (p.Ter334Leu)

Gene: ETFA (electron transfer flavoprotein subunit alpha; minus strand). Cytogenetic location: 15q24.2.
Variant type: single nucleotide variant.
Coding change: c.1001G>T on transcript NM_000126.4 (MANE Select); coding-DNA position 1001, G replaced by T.
Protein change: p.Ter334Leu.
Molecular consequence: stop lost.
Genome position (GRCh38, 1-based): chr15:76,216,560, C>A on the plus strand (G>T on the coding strand, the complement: ETFA is on the minus strand). VCF-style: chr15-76216560-C-A. GRCh37 (hg19) VCF-style: chr15-76508901-C-A.
Other names: c.854G>T, p.Ter285Leu (NM_001127716.2).
Identifiers: ClinVar variation 1401821 (VCV001401821.3), dbSNP rs201424632, ClinGen allele CA7673524.